The following is an entry in ClinVar:

ClinVar aggregate classification (germline): Uncertain significance. Review status: criteria provided, multiple submitters, no conflicts (2 of 4 stars). 4 submissions from 4 submitters: Uncertain significance (4). Last evaluated 2024-07-29.

Conditions:
Aortic aneurysm, familial thoracic 4 (AAT4). Also called: AORTIC ANEURYSM/AORTIC DISSECTION AND PATENT DUCTUS ARTERIOSUS. Identifiers: MedGen C1851504, MONDO:0007568, OMIM 132900.
Familial thoracic aortic aneurysm and aortic dissection (TAAD). Also called: Thoracic aortic aneurysms and dissections. Identifiers: Orphanet 91387, MedGen C4707243, MONDO:0019625.

gnomAD v4.1: 17 of 1,614,192 alleles (0.0011%); highest among the groups gnomAD compares: Non-Finnish European, 0.0014%; no homozygotes.

Submissions (4):

All of Us Research Program, National Institutes of Health
Classification: Uncertain significance for Familial thoracic aortic aneurysm and aortic dissection. Last evaluated: 2024-07-29. Review status: criteria provided, single submitter. Criteria: ACMG Guidelines, 2015. Collection method: clinical testing. Allele origin: germline. Inheritance: Autosomal dominant inheritance. Observed: 6 variant alleles, 6 heterozygotes.
Comment: This missense variant replaces aspartic acid with glutamic acid at codon 1360 of the MYH11 protein. Computational prediction suggests that this variant may not impact protein structure and function (internally defined REVEL score threshold <= 0.5, PMID: 27666373). To our knowledge, functional studies have not been reported for this variant. This variant has not been reported in individuals affected with MYH11-related disorders in the literature. This variant has been identified in 3/250718 chromosomes in the general population by the Genome Aggregation Database (gnomAD). The available evidence is insufficient to determine the role of this variant in disease conclusively. Therefore, this variant is classified as a Variant of Uncertain Significance.

This study involves interpretation of variants in research participants for the purpose of population health screening. Participant phenotype was not available at the time of variant classification. Additional details can be found in publication PMID: 35346344, PMCID: PMC8962531

GeneDx
Classification: Uncertain significance. Last evaluated: 2024-07-24. Review status: criteria provided, single submitter. Criteria: GeneDx Variant Classification Process June 2021. Collection method: clinical testing. Allele origin: germline. Affected: yes.
Comment: Has not been previously published as pathogenic or benign to our knowledge; Not observed at significant frequency in large population cohorts (gnomAD); In silico analysis indicates that this missense variant does not alter protein structure/function

Color Diagnostics, LLC DBA Color Health
Classification: Uncertain significance for Familial thoracic aortic aneurysm and aortic dissection. Last evaluated: 2024-07-12. Review status: criteria provided, single submitter. Criteria: ACMG Guidelines, 2015. Collection method: clinical testing. Allele origin: germline.
Comment: This missense variant replaces aspartic acid with glutamic acid at codon 1360 of the MYH11 protein. Computational prediction tools indicate that this variant has a neutral impact on protein structure and function. To our knowledge, functional studies have not been reported for this variant. This variant has not been reported in individuals affected with MYH11-related disorders in the literature. This variant has been identified in 3/250718 chromosomes in the general population by the Genome Aggregation Database (gnomAD). The available evidence is insufficient to determine the role of this variant in disease conclusively. Therefore, this variant is classified as a Variant of Uncertain Significance.

Labcorp Genetics (formerly Invitae), Labcorp
Classification: Uncertain significance for Aortic aneurysm, familial thoracic 4. Last evaluated: 2023-12-05. Review status: criteria provided, single submitter. Criteria: Invitae Variant Classification Sherloc (09022015). Collection method: clinical testing. Allele origin: germline.
Comment: This sequence change replaces aspartic acid, which is acidic and polar, with glutamic acid, which is acidic and polar, at codon 1360 of the MYH11 protein (p.Asp1360Glu). This variant is present in population databases (rs753575083, gnomAD 0.004%). This variant has not been reported in the literature in individuals affected with MYH11-related conditions. ClinVar contains an entry for this variant (Variation ID: 965426). Advanced modeling of protein sequence and biophysical properties (such as structural, functional, and spatial information, amino acid conservation, physicochemical variation, residue mobility, and thermodynamic stability) performed at Invitae indicates that this missense variant is not expected to disrupt MYH11 protein function with a negative predictive value of 95%. In summary, the available evidence is currently insufficient to determine the role of this variant in disease. Therefore, it has been classified as a Variant of Uncertain Significance.

NM_002474.3(MYH11):c.4059C>A (p.Asp1353Glu)

Genes: NDE1 (nudE neurodevelopment protein 1; plus strand), MYH11 (myosin heavy chain 11; minus strand). Cytogenetic location: 16p13.11.
Variant type: single nucleotide variant.
Coding change: c.4059C>A on transcript NM_002474.3 (MANE Select); coding-DNA position 4059, C replaced by A.
Protein change: p.Asp1353Glu; replaces aspartic acid 1353 with glutamic acid.
Molecular consequence: missense variant. On other transcripts: 3 prime UTR variant (2).
Genome position (GRCh38, 1-based): chr16:15,724,704, G>T on the plus strand (C>A on the coding strand, the complement: MYH11 is on the minus strand). VCF-style: chr16-15724704-G-T. GRCh37 (hg19) VCF-style: chr16-15818561-G-T.
Other names: c.4080C>A, p.Asp1360Glu (NM_001040113.2, NM_001040114.2); c.4059C>A, p.Asp1353Glu (NM_022844.3); c.*453G>T (NM_001143979.2, NM_017668.3); short protein forms D1353E, D1360E.
Identifiers: ClinVar variation 965426 (VCV000965426.14), dbSNP rs753575083, ClinGen allele CA7921798.